The following is an entry in ClinVar:

ClinVar aggregate classification (germline): Uncertain significance. Review status: criteria provided, multiple submitters, no conflicts (2 of 4 stars). 2 submissions from 2 submitters: Uncertain significance (2). Last evaluated 2024-03-08.

Conditions:
Hereditary breast ovarian cancer syndrome. Also called: Hereditary breast and ovarian cancer; Hereditary breast and ovarian cancer syndrome; Breast and ovarian cancer; BRCA1- and BRCA2-Associated Hereditary Breast and Ovarian Cancer; Hereditary breast and ovarian cancer syndrome (HBOC); Hereditary breast and/or ovarian cancer syndrome. Identifiers: Orphanet 145, MedGen C0677776, MeSH D061325, MONDO:0003582. Disease mechanism: loss of function.
Hereditary cancer-predisposing syndrome. Also called: Tumor predisposition; Hereditary Cancer Syndrome; Hereditary neoplastic syndrome; Neoplastic Syndromes, Hereditary. Identifiers: Orphanet 140162, MedGen C0027672, MeSH D009386, MONDO:0015356.

Submissions (2):

Ambry Genetics
Classification: Uncertain significance for Hereditary cancer-predisposing syndrome. Last evaluated: 2024-03-08. Review status: criteria provided, single submitter. Criteria: Ambry Variant Classification Scheme 2023. Collection method: clinical testing. Allele origin: germline.
Comment: The p.P985L variant (also known as c.2954C>T), located in coding exon 9 of the BRCA1 gene, results from a C to T substitution at nucleotide position 2954. The proline at codon 985 is replaced by leucine, an amino acid with similar properties. This amino acid position is not well conserved in available vertebrate species. In addition, the in silico prediction for this alteration is inconclusive. Based on the available evidence, the clinical significance of this alteration remains unclear.

Labcorp Genetics (formerly Invitae), Labcorp
Classification: Uncertain significance for Hereditary breast ovarian cancer syndrome. Last evaluated: 2022-11-09. Review status: criteria provided, single submitter. Criteria: Invitae Variant Classification Sherloc (09022015). Collection method: clinical testing. Allele origin: germline.
Comment: This sequence change replaces proline, which is neutral and non-polar, with leucine, which is neutral and non-polar, at codon 985 of the BRCA1 protein (p.Pro985Leu). This variant is not present in population databases (gnomAD no frequency). This variant has not been reported in the literature in individuals affected with BRCA1-related conditions. Advanced modeling of protein sequence and biophysical properties (such as structural, functional, and spatial information, amino acid conservation, physicochemical variation, residue mobility, and thermodynamic stability) performed at Invitae indicates that this missense variant is not expected to disrupt BRCA1 protein function. In summary, the available evidence is currently insufficient to determine the role of this variant in disease. Therefore, it has been classified as a Variant of Uncertain Significance.

NM_007294.4(BRCA1):c.2954C>T (p.Pro985Leu)

Gene: BRCA1 (BRCA1 DNA repair associated; minus strand). Cytogenetic location: 17q21.31.
Variant type: single nucleotide variant.
Coding change: c.2954C>T on transcript NM_007294.4 (MANE Select); coding-DNA position 2954, C replaced by T.
Protein change: p.Pro985Leu; replaces proline 985 with leucine.
Molecular consequence: missense variant. On other transcripts: intron variant (137).
Genome position (GRCh38, 1-based): chr17:43,092,577, G>A on the plus strand (C>T on the coding strand, the complement: BRCA1 is on the minus strand). VCF-style: chr17-43092577-G-A. GRCh37 (hg19) VCF-style: chr17-41244594-G-A.
Other names: c.2813C>T, p.Pro938Leu (NM_001407698.1, NM_001407724.1, NM_001407725.1 and 29 more transcripts); c.785-1545C>T (NM_001408400.1, NM_001408392.1, NM_001407986.1 and 13 more transcripts); c.665-1545C>T (NM_001408429.1, NM_001408441.1, NM_001408437.1 and 12 more transcripts); c.788-1545C>T (NM_001407979.1, NM_001407977.1, NM_001407973.1 and 17 more transcripts); c.647-1545C>T (NM_001408410.1, NM_001408466.1, NM_001408452.1 and 11 more transcripts); c.710-1545C>T (NM_001408415.1, NM_001408409.1, NM_001408414.1 and 2 more transcripts); c.578-1545C>T (NM_001408483.1, NM_001408489.1, NM_001408479.1 and 9 more transcripts); c.2741C>T, p.Pro914Leu (NM_001407571.1, NM_001407853.1, NM_001407894.1 and 9 more transcripts); and 41 more; short protein forms P689L, P873L, P915L, P917L, P937L, P959L, P817L, P858L.
Identifiers: ClinVar variation 2813102 (VCV002813102.4), dbSNP rs2154350634, ClinGen allele CA10596087.